The following is an entry in ClinVar:

ClinVar aggregate classification (germline): Uncertain significance (0 of 4 stars; one submission).

Allele frequency attached by ClinVar (database versions not stated): gnomAD exomes below 0.00001.
gnomAD v4.1: 1 of 1,614,182 alleles (0.000062%); highest among the groups gnomAD compares: Non-Finnish European, 0.000085%; no homozygotes.

Submission:

Richard Lifton Laboratory, Yale University School of Medicine
Classification: Uncertain significance. Review status: no assertion criteria provided. Collection method: not provided. Allele origin: somatic.
Comment: MCC
ClinVar note: Converted during submission from unknown to Uncertain significance.

NM_001085377.2(MCC):c.2951T>C (p.Met984Thr)

Gene: MCC (MCC regulator of Wnt signaling pathway; minus strand). Cytogenetic location: 5q22.2.
Variant type: single nucleotide variant.
Coding change: c.2951T>C on transcript NM_001085377.2 (MANE Select); coding-DNA position 2951, T replaced by C.
Protein change: p.Met984Thr; replaces methionine 984 with threonine.
Molecular consequence: missense variant.
Genome position (GRCh38, 1-based): chr5:113,027,411, A>G on the plus strand (T>C on the coding strand, the complement: MCC is on the minus strand). VCF-style: chr5-113027411-A-G. GRCh37 (hg19) VCF-style: chr5-112363108-A-G.
Other names: c.2381T>C, p.Met794Thr (NM_002387.3); short protein forms M984T, M794T.
Identifiers: ClinVar variation 91941 (VCV000091941.2), dbSNP rs386352328, ClinGen allele CA232209.
Genomic context (GRCh38, chr5:113,027,411, plus strand): 5'-AGAGCTATTCTTTGCTTGAGCATCCTCACTTGGGTCTCATGTCTCTCCACCATGGCCATC[A>G]TCTGCGACTCTAACTTCTTCAGTTTGTTTTGATGCTTTTTCTTTGCTTTCTCATAGGCAG-3'
Protein context (NP_001078846.2, residues 974-994): QNKLKKLESQ[Met984Thr]MAMVERHETQ